The following is an entry in ClinVar:

NM_000268.4(NF2):c.1676A>T (p.Asp559Val)

Gene: NF2 (NF2, moesin-ezrin-radixin like (MERLIN) tumor suppressor; plus strand). Cytogenetic location: 22q12.2.
Variant type: single nucleotide variant.
Coding change: c.1676A>T on transcript NM_000268.4 (MANE Select); coding-DNA position 1676, A replaced by T.
Protein change: p.Asp559Val; replaces aspartic acid 559 with valine.
Molecular consequence: missense variant. On other transcripts: intron variant (3).
Genome position (GRCh38, 1-based): chr22:29,681,540, A>T. VCF-style: chr22-29681540-A-T. GRCh37 (hg19) VCF-style: chr22-30077529-A-T.
Other names: c.1676A>T, p.Asp559Val (NM_001407066.1, NM_016418.5, NM_181825.3 and 1 more transcripts); c.1445A>T, p.Asp482Val (NM_001407067.1); c.1550A>T, p.Asp517Val (NM_181828.3, NM_001407055.1); c.1553A>T, p.Asp518Val (NM_181829.3, NM_001407054.1, NM_001407058.1); c.1427A>T, p.Asp476Val (NM_181830.3, NM_181831.3, NM_001407063.1); c.1574+3217A>T (NM_001407060.1); c.448-13212A>T (NM_181833.3); c.1325+3217A>T (NM_001407064.1); and 4 more; short protein forms D514V, D381V, D473V, D517V, D559V, D476V, D482V, D518V.
Identifiers: ClinVar variation 2697564 (VCV002697564.3), dbSNP rs2518735563, ClinGen allele CA411150306.

ClinVar aggregate classification (germline): Uncertain significance (1 of 4 stars; one submission).

Conditions:
Neurofibromatosis, type 2 (SWNV). Also called: BILATERAL ACOUSTIC NEUROFIBROMATOSIS; SCHWANNOMATOSIS, VESTIBULAR; NF2-Related Schwannomatosis. Identifiers: Orphanet 637, MedGen C0027832, MONDO:0007039, OMIM 101000. Disease mechanism: loss of function.

Submission:

Labcorp Genetics (formerly Invitae), Labcorp
Classification: Uncertain significance for Neurofibromatosis, type 2. Last evaluated: 2023-11-20. Review status: criteria provided, single submitter. Criteria: Invitae Variant Classification Sherloc (09022015). Collection method: clinical testing. Allele origin: germline.
Comment: This sequence change replaces aspartic acid, which is acidic and polar, with valine, which is neutral and non-polar, at codon 559 of the NF2 protein (p.Asp559Val). This variant is not present in population databases (gnomAD no frequency). This variant has not been reported in the literature in individuals affected with NF2-related conditions. Advanced modeling of protein sequence and biophysical properties (such as structural, functional, and spatial information, amino acid conservation, physicochemical variation, residue mobility, and thermodynamic stability) has been performed at Invitae for this missense variant, however the output from this modeling did not meet the statistical confidence thresholds required to predict the impact of this variant on NF2 protein function. In summary, the available evidence is currently insufficient to determine the role of this variant in disease. Therefore, it has been classified as a Variant of Uncertain Significance.